The following is an entry in ClinVar:

NM_032861.4(SERAC1):c.*258G>A

Gene: SERAC1 (serine active site containing 1; minus strand). Cytogenetic location: 6q25.3.
Variant type: single nucleotide variant.
Coding change: c.*258G>A on transcript NM_032861.4 (MANE Select); 258 bases downstream of the stop codon, G replaced by A.
Molecular consequence: 3 prime UTR variant.
Genome position (GRCh38, 1-based): chr6:158,111,108, C>T on the plus strand (G>A on the coding strand, the complement: SERAC1 is on the minus strand). VCF-style: chr6-158111108-C-T. GRCh37 (hg19) VCF-style: chr6-158532140-C-T.
Other names: NM_032861.4:c.*258G>A.
Identifiers: ClinVar variation 2500852 (VCV002500852.1), dbSNP rs185841896, ClinGen allele CA150910459.

ClinVar aggregate classification (germline): Benign (1 of 4 stars; one submission).

Conditions:
3-methylglutaconic aciduria with deafness, encephalopathy, and Leigh-like syndrome (MEGDEL). Also called: MEGDEL syndrome; SERAC1 Deficiency; 3-METHYLGLUTACONIC ACIDURIA, TYPE VI. Identifiers: Orphanet 352328, MedGen C4040739, MONDO:0013875, OMIM 614739.

Allele frequency attached by ClinVar (database versions not stated): TOPMed 0.00007; 1000 Genomes Project 30x 0.00062; 1000 Genomes Project 0.00080; gnomAD exomes 0.00104; gnomAD 0.00151.
gnomAD v4.1: 334 of 259,010 alleles (0.13%); highest among the groups gnomAD compares: Non-Finnish European, 0.016%; 4 homozygotes.

Submission:

Broad Center for Mendelian Genomics, Broad Institute of MIT and Harvard
Classification: Benign for 3-methylglutaconic aciduria with deafness, encephalopathy, and Leigh-like syndrome. Last evaluated: 2023-05-02. Review status: criteria provided, single submitter. Criteria: ACMG Guidelines, 2015. Collection method: curation. Allele origin: germline. Inheritance: Autosomal recessive inheritance.
Comment: Trio exome analysis revealed this variant to be in trans with a likely pathogenic variant (ClinVar Variation ID: 938842). The c.*258G>A variant in SERAC1 has not been previously reported in individuals with 3-methylglutaconic aciduria with deafness, encephalopathy, and Leigh-like syndrome but has been identified in 2% (210/10606) of European (Finnish) chromosomes by the Genome Aggregation Database (gnomAD; dbSNP ID: rs185841896). This variant was detected in 3 control individuals of the European (Finnish) population by the Genome Aggregation Database (gnomAD; dbSNP ID: rs185841896), suggesting that this variant is not pathogenic for 3-methylglutaconic aciduria with deafness, encephalopathy, and Leigh-like syndrome. Computational prediction tools, including splice predictors, and conservation analyses suggest that this variant may not impact the protein, though this information is not predictive enough to rule out pathogenicity. In summary, while the clinical significance of the c.*258G>A variant is uncertain, these data suggest that it is more likely to be benign. ACMG/AMP Criteria applied: PM3, BS1, BS2, BP4 (Richards 2015).